The following is an entry in ClinVar:

NM_018194.6(HHAT):c.951T>C (p.Thr317=)

Gene: HHAT (hedgehog acyltransferase; plus strand). Cytogenetic location: 1q32.2.
Variant type: single nucleotide variant.
Coding change: c.951T>C on transcript NM_018194.6 (MANE Select); coding-DNA position 951, T replaced by C.
Protein change: p.Thr317=; no amino-acid change (threonine 317 retained).
Molecular consequence: synonymous variant.
Genome position (GRCh38, 1-based): chr1:210,464,599, T>C. VCF-style: chr1-210464599-T-C. GRCh37 (hg19) VCF-style: chr1-210637943-T-C.
Other names: c.951T>C, p.Thr317= (NM_001122834.4, NM_001170580.3); c.540T>C, p.Thr180= (NM_001170564.3); c.954T>C, p.Thr318= (NM_001170587.3); c.756T>C, p.Thr252= (NM_001170588.3).
Identifiers: ClinVar variation 4084045 (VCV004084045.8).

ClinVar aggregate classification (germline): Likely benign (1 of 4 stars; one submission).

Submission:

CeGaT Center for Human Genetics Tuebingen
Classification: Likely benign. Last evaluated: 2025-07-01. Review status: criteria provided, single submitter. Criteria: CeGaT Center For Human Genetics Tuebingen Variant Classification Criteria Version 2. Collection method: clinical testing. Allele origin: germline. Affected: yes. Observed: 1 variant allele.
Comment: HHAT: BP4, BP7